The following is an entry in ClinVar:

ClinVar aggregate classification (germline): Benign/Likely benign. Review status: criteria provided, multiple submitters, no conflicts (2 of 4 stars). 3 submissions from 3 submitters: Benign (1); Likely benign (2). Last evaluated 2024-09-16.

Conditions:
Oligodontia-cancer predisposition syndrome. Also called: TOOTH AGENESIS-COLORECTAL CANCER SYNDROME. Identifiers: Orphanet 300576, MedGen C1837750, MONDO:0012075, OMIM 608615. Disease mechanism: loss of function.
Hereditary cancer-predisposing syndrome. Also called: Tumor predisposition; Hereditary Cancer Syndrome; Neoplastic Syndromes, Hereditary; Hereditary neoplastic syndrome. Identifiers: Orphanet 140162, MedGen C0027672, MeSH D009386, MONDO:0015356.

Submissions (3):

Ambry Genetics
Classification: Likely benign for Hereditary cancer-predisposing syndrome. Last evaluated: 2024-09-16. Review status: criteria provided, single submitter. Criteria: Ambry Variant Classification Scheme 2023. Collection method: clinical testing. Allele origin: germline.

Myriad Genetics, Inc.
Classification: Benign for Oligodontia-cancer predisposition syndrome. Last evaluated: 2024-06-27. Review status: criteria provided, single submitter. Criteria: Myriad Autosomal Dominant, Autosomal Recessive and X-Linked Classification Criteria (2023). Collection method: clinical testing. Allele origin: unknown.
Comment: This variant is considered benign. This variant is a silent/synonymous amino acid change and it is not expected to impact splicing.

Labcorp Genetics (formerly Invitae), Labcorp
Classification: Likely benign for Oligodontia-cancer predisposition syndrome. Last evaluated: 2023-07-06. Review status: criteria provided, single submitter. Criteria: Invitae Variant Classification Sherloc (09022015). Collection method: clinical testing. Allele origin: germline.

NM_004655.4(AXIN2):c.849T>C (p.Tyr283=)

Gene: AXIN2 (axin 2; minus strand). Cytogenetic location: 17q24.1.
Variant type: single nucleotide variant.
Coding change: c.849T>C on transcript NM_004655.4 (MANE Select); coding-DNA position 849, T replaced by C.
Protein change: p.Tyr283=; no amino-acid change (tyrosine 283 retained).
Molecular consequence: synonymous variant.
Genome position (GRCh38, 1-based): chr17:65,549,627, A>G on the plus strand (T>C on the coding strand, the complement: AXIN2 is on the minus strand). VCF-style: chr17-65549627-A-G. GRCh37 (hg19) VCF-style: chr17-63545745-A-G.
Other names: c.849T>C, p.Tyr283= (NM_001363813.1).
Identifiers: ClinVar variation 2736079 (VCV002736079.5), dbSNP rs2544218457, ClinGen allele CA501476730.